The following is an entry in ClinVar:

ClinVar aggregate classification (germline): Uncertain significance. Review status: criteria provided, multiple submitters, no conflicts (2 of 4 stars). 2 submissions from 2 submitters: Uncertain significance (2). Last evaluated 2025-01-21.

Conditions:
Hereditary cancer-predisposing syndrome. Also called: Tumor predisposition; Hereditary Cancer Syndrome; Hereditary neoplastic syndrome; Neoplastic Syndromes, Hereditary. Identifiers: Orphanet 140162, MedGen C0027672, MeSH D009386, MONDO:0015356.
POLD1-related polyposis and colorectal cancer syndrome (CRCS10). Also called: Colorectal cancer 10; COLORECTAL CANCER, SUSCEPTIBILITY TO, ON CHROMOSOME 19q; Colorectal cancer, susceptibility to, 10. Identifiers: Orphanet 220460, MedGen C2675481, MONDO:0012953, OMIM 612591.

Allele frequency attached by ClinVar (database versions not stated): gnomAD 0.00001.
gnomAD v4.1: 5 of 1,613,692 alleles (0.00031%); highest among the groups gnomAD compares: East Asian, 0.0022%; no homozygotes.

Submissions (2):

Ambry Genetics
Classification: Uncertain significance for Hereditary cancer-predisposing syndrome. Last evaluated: 2025-01-21. Review status: criteria provided, single submitter. Criteria: Ambry Variant Classification Scheme 2023. Collection method: clinical testing. Allele origin: germline.
Comment: The p.F646S variant (also known as c.1937T>C), located in coding exon 15 of the POLD1 gene, results from a T to C substitution at nucleotide position 1937. The phenylalanine at codon 646 is replaced by serine, an amino acid with highly dissimilar properties. This amino acid position is conserved. In addition, this alteration is predicted to be deleterious by in silico analysis. Based on the available evidence, the clinical significance of this variant remains unclear.

Labcorp Genetics (formerly Invitae), Labcorp
Classification: Uncertain significance for POLD1-related polyposis and colorectal cancer syndrome. Last evaluated: 2021-09-15. Review status: criteria provided, single submitter. Criteria: Invitae Variant Classification Sherloc (09022015). Collection method: clinical testing. Allele origin: germline.
Comment: In summary, the available evidence is currently insufficient to determine the role of this variant in disease. Therefore, it has been classified as a Variant of Uncertain Significance. Algorithms developed to predict the effect of missense changes on protein structure and function are either unavailable or do not agree on the potential impact of this missense change (SIFT: "Deleterious"; PolyPhen-2: "Probably Damaging"; Align-GVGD: "Class C0"). This variant has not been reported in the literature in individuals affected with POLD1-related conditions. This variant is not present in population databases (ExAC no frequency). This sequence change replaces phenylalanine with serine at codon 646 of the POLD1 protein (p.Phe646Ser). The phenylalanine residue is highly conserved and there is a large physicochemical difference between phenylalanine and serine.

NM_002691.4(POLD1):c.1937T>C (p.Phe646Ser)

Gene: POLD1 (DNA polymerase delta 1, catalytic subunit; plus strand). Cytogenetic location: 19q13.33.
Variant type: single nucleotide variant.
Coding change: c.1937T>C on transcript NM_002691.4 (MANE Select); coding-DNA position 1937, T replaced by C.
Protein change: p.Phe646Ser; replaces phenylalanine 646 with serine.
Molecular consequence: missense variant. On other transcripts: non-coding transcript variant (1).
Genome position (GRCh38, 1-based): chr19:50,409,166, T>C. VCF-style: chr19-50409166-T-C. GRCh37 (hg19) VCF-style: chr19-50912423-T-C.
Other names: c.1937T>C, p.Phe646Ser (NM_001256849.1); c.2015T>C, p.Phe672Ser (NM_001308632.1); short protein forms F646S, F672S.
Identifiers: ClinVar variation 863874 (VCV000863874.11), dbSNP rs767518281, ClinGen allele CA406982277.
Genomic context (GRCh38, chr19:50,409,166, plus strand): 5'-ACATCTTCCAACCCAGCCTGACTGAGGATCAGTTCATCAGGACCCCCACCGGGGACGAGT[T>C]TGTGAAGACCTCAGTGCGGAAGGGGCTGCTGCCCCAGATCCTGGAGAACCTGCTCAGTGC-3'
Protein context (NP_002682.2, residues 636-656): QFIRTPTGDE[Phe646Ser]VKTSVRKGLL